The following is an entry in ClinVar:

ClinVar aggregate classification (germline): Uncertain significance. Review status: criteria provided, multiple submitters, no conflicts (2 of 4 stars). 7 submissions from 7 submitters: Uncertain significance (6). 1 of the submissions does not count toward it. Last evaluated 2024-10-29.

Conditions:
Nephronophthisis. Also called: Juvenile Nephronophthisis. Identifiers: Orphanet 655, MedGen C0687120, MONDO:0019005, HP:0000090.
NPHP4-related disorder. Also called: NPHP4-related disorders; NPHP4-related condition. Identifiers: MedGen CN239384.
Bardet-Biedl syndrome (BBS). Identifiers: Orphanet 110, MedGen C0752166, MONDO:0015229.
Nephronophthisis 4 (NPHP4). Also called: NEPHRONOPHTHISIS 4, JUVENILE. Identifiers: Orphanet 655, MedGen C1847013, MONDO:0011752, OMIM 606966.
Senior-Loken syndrome 4 (SLSN4). Identifiers: Orphanet 3156, MedGen C1846979, MONDO:0011756, OMIM 606996.

Allele frequency attached by ClinVar (database versions not stated): gnomAD 0.00001 and 0.00005; TOPMed 0.00006; gnomAD exomes 0.00010 and 0.00021; ExAC 0.00031; 1000 Genomes Project 0.00060; 1000 Genomes Project 30x 0.00062.
gnomAD v4.1: 160 of 1,613,870 alleles (0.0099%); highest among the groups gnomAD compares: South Asian, 0.13%; no homozygotes.

Submissions (7):

Labcorp Genetics (formerly Invitae), Labcorp
Classification: Uncertain significance for Nephronophthisis. Last evaluated: 2024-10-29. Review status: criteria provided, single submitter. Criteria: Invitae Variant Classification Sherloc (09022015). Collection method: clinical testing. Allele origin: germline.
Comment: This sequence change replaces threonine, which is neutral and polar, with methionine, which is neutral and non-polar, at codon 627 of the NPHP4 protein (p.Thr627Met). This variant is present in population databases (rs199891059, gnomAD 0.1%). This missense change has been observed in individual(s) with NPHP4-related conditions (PMID: 15776426, 37431782). ClinVar contains an entry for this variant (Variation ID: 597617). Invitae Evidence Modeling of protein sequence and biophysical properties (such as structural, functional, and spatial information, amino acid conservation, physicochemical variation, residue mobility, and thermodynamic stability) indicates that this missense variant is not expected to disrupt NPHP4 protein function with a negative predictive value of 80%. In summary, the available evidence is currently insufficient to determine the role of this variant in disease. Therefore, it has been classified as a Variant of Uncertain Significance.

Fulgent Genetics
Classification: Uncertain significance for Nephronophthisis 4; Senior-Loken syndrome 4. Last evaluated: 2024-04-16. Review status: criteria provided, single submitter. Criteria: ACMG Guidelines, 2015. Collection method: clinical testing. Allele origin: germline.

CeGaT Center for Human Genetics Tuebingen
Classification: Uncertain significance. Last evaluated: 2023-11-01. Review status: criteria provided, single submitter. Criteria: CeGaT Center For Human Genetics Tuebingen Variant Classification Criteria Version 2. Collection method: clinical testing. Allele origin: germline. Affected: yes. Observed: 1 variant allele.
Comment: NPHP4: PM2, BP4

Eurofins Ntd Llc (ga)
Classification: Uncertain significance. Last evaluated: 2018-06-14. Review status: criteria provided, single submitter. Criteria: EGL ClinVar v180209 classification definitions. Collection method: clinical testing. Allele origin: germline. Observed: 1 variant allele, 1 heterozygote.

Breakthrough Genomics
Classification: Uncertain significance. Review status: criteria provided, single submitter. Criteria: ACMG Guidelines, 2015. Collection method: not provided. Allele origin: germline. Inheritance: Autosomal recessive inheritance. Affected: yes.

SN ONGC Dept of Genetics and Molecular biology Vision Research Foundation
Classification: Uncertain significance for Bardet-Biedl syndrome. Review status: criteria provided, single submitter. Criteria: ACMG Guidelines, 2015. Collection method: research. Allele origin: biparental. Affected: yes. Observed: 1 heterozygote.
Comment: This variant was observed in digenic inheritance with the variant NC_000002.11:g.170343634del.

PreventionGenetics, part of Exact Sciences
Classification: Uncertain significance for NPHP4-related condition. Last evaluated: 2024-01-05. Review status: no assertion criteria provided. Collection method: clinical testing. Allele origin: germline. Not counted in ClinVar's aggregate classification.
Comment: The NPHP4 c.1880C>T variant is predicted to result in the amino acid substitution p.Thr627Met. This variant was reported in the heterozygous state in a patient with Senior-Løken syndrome (Hoefele et al. 2005. PubMed ID: 15776426). The authors did not detect a second plausible pathogenic variant in that patient. This variant is reported in 0.11% of alleles in individuals of South Asian descent in gnomAD. At this time, the clinical significance of this variant is uncertain due to the absence of conclusive functional and genetic evidence.

Literature cited by the submitters: PubMed 15776426 (cited by Labcorp Genetics (formerly Invitae), Labcorp); PubMed 37431782 (cited by Labcorp Genetics (formerly Invitae), Labcorp).

NM_015102.5(NPHP4):c.1880C>T (p.Thr627Met)

Gene: NPHP4 (nephrocystin 4; minus strand). Cytogenetic location: 1p36.31.
Variant type: single nucleotide variant.
Coding change: c.1880C>T on transcript NM_015102.5 (MANE Select); coding-DNA position 1880, C replaced by T.
Protein change: p.Thr627Met; replaces threonine 627 with methionine.
Molecular consequence: missense variant. On other transcripts: non-coding transcript variant (1).
Genome position (GRCh38, 1-based): chr1:5,905,367, G>A on the plus strand (C>T on the coding strand, the complement: NPHP4 is on the minus strand). VCF-style: chr1-5905367-G-A. GRCh37 (hg19) VCF-style: chr1-5965427-G-A.
Other names: c.341C>T, p.Thr114Met (NM_001291593.2); c.344C>T, p.Thr115Met (NM_001291594.2); short protein forms T627M, T115M, T114M.
Identifiers: ClinVar variation 597617 (VCV000597617.40), dbSNP rs199891059, ClinGen allele CA554341.